The following is an entry in ClinVar:

ClinVar aggregate classification (germline): Likely benign (1 of 4 stars; one submission).

Allele frequency attached by ClinVar (database versions not stated): 1000 Genomes Project 0.00020; 1000 Genomes Project 30x 0.00031; ESP Exome Variant Server 0.00049; ExAC 0.00057; gnomAD 0.00073.

Submission:

CeGaT Center for Human Genetics Tuebingen
Classification: Likely benign. Last evaluated: 2024-02-01. Review status: criteria provided, single submitter. Criteria: CeGaT Center For Human Genetics Tuebingen Variant Classification Criteria Version 2. Collection method: clinical testing. Allele origin: germline. Affected: yes. Observed: 1 variant allele.
Comment: BAHCC1: BP4, BP7

NM_001377448.1(BAHCC1):c.5370G>A (p.Thr1790=)

Gene: BAHCC1 (BAH domain and coiled-coil containing 1; plus strand). Cytogenetic location: 17q25.3.
Variant type: single nucleotide variant.
Coding change: c.5370G>A on transcript NM_001377448.1 (MANE Select); coding-DNA position 5370, G replaced by A.
Protein change: p.Thr1790=; no amino-acid change (threonine 1790 retained).
Molecular consequence: synonymous variant.
Genome position (GRCh38, 1-based): chr17:81,458,647, G>A. VCF-style: chr17-81458647-G-A. GRCh37 (hg19) VCF-style: chr17-79425673-G-A.
Other names: c.5463G>A, p.Thr1821= (NM_001291324.3).
Identifiers: ClinVar variation 3025091 (VCV003025091.22), dbSNP rs374895255, ClinGen allele CA8834765.